The following is an entry in ClinVar:

NM_015599.3(PGM3):c.1474C>T (p.Arg492Ter)

Genes: DOP1A (DOP1 leucine zipper like protein A; plus strand), PGM3 (phosphoglucomutase 3; minus strand). Cytogenetic location: 6q14.1.
Variant type: single nucleotide variant.
Coding change: c.1474C>T on transcript NM_015599.3 (MANE Select); coding-DNA position 1474, C replaced by T.
Protein change: p.Arg492Ter; replaces arginine 492 with a stop codon.
Molecular consequence: nonsense. On other transcripts: non-coding transcript variant (1).
Genome position (GRCh38, 1-based): chr6:83,170,370, G>A on the plus strand (C>T on the coding strand, the complement: PGM3 is on the minus strand). VCF-style: chr6-83170370-G-A. GRCh37 (hg19) VCF-style: chr6-83880089-G-A.
Other names: c.1558C>T, p.Arg520Ter (NM_001199917.2, NM_001367287.1); c.1231C>T, p.Arg411Ter (NM_001199918.2); c.1474C>T, p.Arg492Ter (NM_001199919.2); c.1351C>T, p.Arg451Ter (NM_001367286.1); short protein forms R520*, R492*, R411*, R451*.
Identifiers: ClinVar variation 505650 (VCV000505650.15), dbSNP rs144104577, ClinGen allele CA3906509.

ClinVar aggregate classification (germline): Pathogenic/Likely pathogenic. Review status: criteria provided, multiple submitters, no conflicts (2 of 4 stars). 5 submissions from 5 submitters: Pathogenic (3); Likely pathogenic (2). Last evaluated 2024-11-18.

Conditions:
Severe combined immunodeficiency disease. Also called: Severe combined immunodeficiency; Severe Combined Immune Deficiency. Identifiers: Orphanet 183660, MedGen C0085110, MeSH D016511, MONDO:0015974, HP:0004430. Inheritance: X-Linked or Autosomal recessive.
Immunodeficiency 23 (IMD23). Also called: IMMUNODEFICIENCY WITH HYPER IgE AND COGNITIVE IMPAIRMENT; IMMUNODEFICIENCY-VASCULITIS-MYOCLONUS SYNDROME. Identifiers: Orphanet 443811, MedGen C4014371, MONDO:0014353, OMIM 615816.

Allele frequency attached by ClinVar (database versions not stated): gnomAD 0.00001; ExAC 0.00003; gnomAD exomes 0.00003; TOPMed 0.00005; ESP Exome Variant Server 0.00008.
gnomAD v4.1: 45 of 1,613,952 alleles (0.0028%); highest among the groups gnomAD compares: Non-Finnish European, 0.0035%; no homozygotes.

Submissions (5):

Labcorp Genetics (formerly Invitae), Labcorp
Classification: Pathogenic for Immunodeficiency 23. Last evaluated: 2024-11-18. Review status: criteria provided, single submitter. Criteria: Invitae Variant Classification Sherloc (09022015). Collection method: clinical testing. Allele origin: germline.
Comment: This sequence change creates a premature translational stop signal (p.Arg520*) in the PGM3 gene. It is expected to result in an absent or disrupted protein product. Loss-of-function variants in PGM3 are known to be pathogenic (PMID: 17548465, 24589341, 24931394). This variant is present in population databases (rs144104577, gnomAD 0.004%). This premature translational stop signal has been observed in individual(s) with PGM3-congenital disorder of glycosylation (PMID: 35040011). ClinVar contains an entry for this variant (Variation ID: 505650). For these reasons, this variant has been classified as Pathogenic.

GeneDx
Classification: Pathogenic. Last evaluated: 2024-01-09. Review status: criteria provided, single submitter. Criteria: GeneDx Variant Classification Process June 2021. Collection method: clinical testing. Allele origin: germline. Affected: yes.
Comment: Nonsense variant predicted to result in protein truncation or nonsense mediated decay in a gene for which loss-of-function is a known mechanism of disease; Not observed at significant frequency in large population cohorts (gnomAD); This variant is associated with the following publications: (PMID: 35040011)

Women's Health and Genetics/Laboratory Corporation of America, LabCorp
Classification: Likely pathogenic for Severe combined immunodeficiency disease. Last evaluated: 2023-03-28. Review status: criteria provided, single submitter. Criteria: LabCorp Variant Classification Summary - May 2015. Collection method: clinical testing. Allele origin: germline.
Comment: Variant summary: PGM3 c.1558C>T (p.Arg520X) results in a premature termination codon, predicted to cause a truncation of the encoded protein or absence of the protein due to nonsense mediated decay, which are commonly known mechanisms for disease. The variant allele was found at a frequency of 2.8e-05 in 251408 control chromosomes (gnomAD). c.1558C>T has been reported in the literature in at least one compound heterozygous individual affected with Severe Combined Immunodeficiency (Winslow_2022). These data do not allow any conclusion about variant significance. To our knowledge, no experimental evidence demonstrating an impact on protein function has been reported. Three ClinVar submitters have assessed the variant since 2014: one classified the variant as likely pathogenic and two as pathogenic. Based on the evidence outlined above, the variant was classified as likely pathogenic.

Revvity Omics, Revvity
Classification: Pathogenic for Immunodeficiency 23. Last evaluated: 2020-05-18. Review status: criteria provided, single submitter. Criteria: ACMG Guidelines, 2015. Collection method: clinical testing. Allele origin: germline.

Laboratory for Molecular Medicine, Mass General Brigham Personalized Medicine
Classification: Likely pathogenic for Immunodeficiency 23. Last evaluated: 2017-04-06. Review status: criteria provided, single submitter. Criteria: LMM Criteria. Collection method: clinical testing. Allele origin: germline. Inheritance: Autosomal recessive inheritance. Observed: 2 variant alleles.
Comment: The p.Arg520X variant in PGM3 has not been previously reported in individuals wi th immunodeficiency, but has been identified in 4/66736 European chromosomes by the Exome Aggregation Consortium (ExAC; dbSNP rs 144104577). This nonsense variant leads to a premature termination codon at posi tion 520, which is predicted to lead to a truncated or absent protein. Bialleli c variants in the PGM3 gene that result in reduced PGM3 expression and/or enzyma tic function are reported to cause autosomal recessive immunodeficiency 23 (MIM: 615816). In summary, although additional studies are required to fully establi sh its clinical significance, the p.Arg520X variant is likely pathogenic.

Literature cited by the submitters: PubMed 17548465 (cited by Labcorp Genetics (formerly Invitae), Labcorp); PubMed 24589341 (cited by Labcorp Genetics (formerly Invitae), Labcorp); PubMed 24931394 (cited by Labcorp Genetics (formerly Invitae), Labcorp); PubMed 35040011 (cited by Labcorp Genetics (formerly Invitae), Labcorp and Women's Health and Genetics/Laboratory Corporation of America, LabCorp).